The following is an entry in ClinVar:

NM_000038.6(APC):c.-1G>A

Gene: APC (APC regulator of Wnt signaling pathway; plus strand). Cytogenetic location: 5q22.2.
Variant type: single nucleotide variant.
Coding change: c.-1G>A on transcript NM_000038.6 (MANE Select); 1 bases upstream of the start codon, G replaced by A.
Molecular consequence: 5 prime UTR variant. On other transcripts: non-coding transcript variant (2), intron variant (11).
Genome position (GRCh38, 1-based): chr5:112,754,890, G>A. VCF-style: chr5-112754890-G-A. GRCh37 (hg19) VCF-style: chr5-112090587-G-A.
Other names: c.-1G>A (NM_001127510.3, NM_001354895.2, NM_001354896.2 and 16 more transcripts); c.-1036G>A (NM_001354906.2, NM_001407470.1, NM_001407471.1 and 1 more transcripts); c.166-11436G>A (NM_001407446.1, NM_001354897.2, NM_001354902.2 and 1 more transcripts); c.-42-11436G>A (NM_001407453.1, NM_001354900.2, NM_001354901.2 and 1 more transcripts); c.61-11436G>A (NM_001407451.1, NM_001354898.2, NM_001354904.2).
Identifiers: ClinVar variation 1331783 (VCV001331783.2), dbSNP rs2149737155, ClinGen allele CA2573052383.

ClinVar aggregate classification (germline): Uncertain significance (1 of 4 stars; one submission).

Conditions:
Hereditary cancer-predisposing syndrome. Also called: Tumor predisposition; Hereditary Cancer Syndrome; Neoplastic Syndromes, Hereditary; Hereditary neoplastic syndrome. Identifiers: Orphanet 140162, MedGen C0027672, MeSH D009386, MONDO:0015356.

Submission:

Color Diagnostics, LLC DBA Color Health
Classification: Uncertain significance for Hereditary cancer-predisposing syndrome. Last evaluated: 2021-03-08. Review status: criteria provided, single submitter. Criteria: ACMG Guidelines, 2015. Collection method: clinical testing. Allele origin: germline.
Comment: This variant is located in the 5' untranslated region of the APC gene. To our knowledge, functional studies have not been reported for this variant. This variant has not been reported in individuals affected with hereditary cancer in the literature. This variant has not been identified in the general population by the Genome Aggregation Database (gnomAD). The available evidence is insufficient to determine the role of this variant in disease conclusively. Therefore, this variant is classified as a Variant of Uncertain Significance.